The following is an entry in ClinVar:

ClinVar aggregate classification (germline): Benign/Likely benign. Review status: criteria provided, multiple submitters, no conflicts (2 of 4 stars). 5 submissions from 5 submitters: Benign (1); Likely benign (4). Last evaluated 2025-09-26.

Conditions:
Hereditary cancer-predisposing syndrome. Also called: Neoplastic Syndromes, Hereditary; Hereditary Cancer Syndrome; Tumor predisposition; Hereditary neoplastic syndrome. Identifiers: Orphanet 140162, MedGen C0027672, MeSH D009386, MONDO:0015356.
Classic or attenuated familial adenomatous polyposis. Identifiers: MedGen CN372698, MONDO:0021057.
Familial adenomatous polyposis 1 (FAP1). Also called: FAMILIAL ADENOMATOUS POLYPOSIS 1, ATTENUATED; POLYPOSIS, ADENOMATOUS INTESTINAL. Identifiers: MedGen C2713442, MONDO:0021056, OMIM 175100. Disease mechanism: loss of function.

Allele frequency attached by ClinVar (database versions not stated): TOPMed below 0.00001.

Submissions (5):

Ambry Genetics
Classification: Likely benign for Hereditary cancer-predisposing syndrome. Last evaluated: 2025-09-26. Review status: criteria provided, single submitter. Criteria: Ambry Variant Classification Scheme 2023. Collection method: clinical testing. Allele origin: germline.

Myriad Genetics, Inc.
Classification: Benign for Familial adenomatous polyposis 1. Last evaluated: 2024-03-07. Review status: criteria provided, single submitter. Criteria: Myriad Autosomal Dominant, Autosomal Recessive and X-Linked Classification Criteria (2023). Collection method: clinical testing. Allele origin: unknown.
Comment: This variant is considered benign. This variant is a silent/synonymous amino acid change and it is not expected to impact splicing.

All of Us Research Program, National Institutes of Health
Classification: Likely benign for Classic or attenuated familial adenomatous polyposis. Last evaluated: 2024-01-11. Review status: criteria provided, single submitter. Criteria: ACMG Guidelines, 2015. Collection method: clinical testing. Allele origin: germline. Inheritance: Autosomal dominant inheritance. Observed: 1 variant allele, 1 heterozygote.
Comment: This study involves interpretation of variants in research participants for the purpose of population health screening. Participant phenotype was not available at the time of variant classification. Additional details can be found in publication PMID: 35346344, PMCID: PMC8962531

Labcorp Genetics (formerly Invitae), Labcorp
Classification: Likely benign for Familial adenomatous polyposis 1. Last evaluated: 2023-09-21. Review status: criteria provided, single submitter. Criteria: Invitae Variant Classification Sherloc (09022015). Collection method: clinical testing. Allele origin: germline.

Color Diagnostics, LLC DBA Color Health
Classification: Likely benign for Hereditary cancer-predisposing syndrome. Last evaluated: 2020-01-02. Review status: criteria provided, single submitter. Criteria: ACMG Guidelines, 2015. Collection method: clinical testing. Allele origin: germline.

NM_000038.6(APC):c.1926G>A (p.Val642=)

Gene: APC (APC regulator of Wnt signaling pathway; plus strand). Cytogenetic location: 5q22.2.
Variant type: single nucleotide variant.
Coding change: c.1926G>A on transcript NM_000038.6 (MANE Select); coding-DNA position 1926, G replaced by A.
Protein change: p.Val642=; no amino-acid change (valine 642 retained).
Molecular consequence: synonymous variant.
Genome position (GRCh38, 1-based): chr5:112,835,133, G>A. VCF-style: chr5-112835133-G-A. GRCh37 (hg19) VCF-style: chr5-112170830-G-A.
Other names: c.1926G>A, p.Val642= (NM_001127510.3, NM_001354895.2); c.1872G>A, p.Val624= (NM_001127511.3); c.1980G>A, p.Val660= (NM_001354896.2); c.1956G>A, p.Val652= (NM_001354897.2); c.1851G>A, p.Val617= (NM_001354898.2); c.1842G>A, p.Val614= (NM_001354899.2); c.1803G>A, p.Val601= (NM_001354900.2); c.1749G>A, p.Val583= (NM_001354901.2); and 5 more.
Identifiers: ClinVar variation 927250 (VCV000927250.10), dbSNP rs1764737441, ClinGen allele CA445758933.